The following is an entry in ClinVar:

NM_001458.5(FLNC):c.5764G>A (p.Ala1922Thr)

Genes: FLNC (filamin C; plus strand), FLNC-AS1 (FLNC antisense RNA 1; minus strand). Cytogenetic location: 7q32.1.
Variant type: single nucleotide variant.
Coding change: c.5764G>A on transcript NM_001458.5 (MANE Select); coding-DNA position 5764, G replaced by A.
Protein change: p.Ala1922Thr; replaces alanine 1922 with threonine.
Molecular consequence: missense variant.
Genome position (GRCh38, 1-based): chr7:128,851,550, G>A. VCF-style: chr7-128851550-G-A. GRCh37 (hg19) VCF-style: chr7-128491604-G-A.
Other names: p.Ala1922Thr; c.5665G>A, p.Ala1889Thr (NM_001127487.2); short protein forms A1922T, A1889T.
Identifiers: ClinVar variation 285429 (VCV000285429.52), dbSNP rs202128602, ClinGen allele CA4475776.
Genomic context (GRCh38, chr7:128,851,550, plus strand): 5'-GCAGAGATCACCTGTAAGGACAACAAGGATGGCACCTGCACCGTGTCCTATCTGCCGACT[G>A]CGCCTGGAGACTACAGCATCATCGTGCGCTTCGATGACAAGCACATCCCGGGGAGCCCCT-3'
Protein context (NP_001449.3, residues 1912-1932): GTCTVSYLPT[Ala1922Thr]PGDYSIIVRF

ClinVar aggregate classification (germline): Benign/Likely benign. Review status: criteria provided, multiple submitters, no conflicts (2 of 4 stars). 13 submissions from 13 submitters: Benign (10); Likely benign (3). Last evaluated 2026-09-01.

Conditions:
Dilated Cardiomyopathy, Dominant.
Hypertrophic cardiomyopathy 26. Also called: Cardiomyopathy, familial hypertrophic, 26. Identifiers: Orphanet 75249, MedGen C4310749, MONDO:0014883, OMIM 617047.
Distal myopathy with posterior leg and anterior hand involvement. Also called: WILLIAMS DISTAL MYOPATHY. Identifiers: Orphanet 63273, MedGen C3279722, MONDO:0013550, OMIM 614065.
Myofibrillar myopathy 5. Also called: Filaminopathy (type); FILAMINOPATHY, AUTOSOMAL DOMINANT. Identifiers: Orphanet 171445, MedGen C1836050, MONDO:0012289, OMIM 609524.
Cardiovascular phenotype. Identifiers: MedGen CN230736.
Cardiomyopathy (CMYO). Also called: Cardiomyopathies. Identifiers: Orphanet 167848, MedGen C0878544, MONDO:0004994, HP:0001638. Inheritance: Various modes of inheritance.

Allele frequency attached by ClinVar (database versions not stated): ESP Exome Variant Server 0.00008; gnomAD 0.00040 and 0.00050; TOPMed 0.00076; 1000 Genomes Project 30x 0.00156; 1000 Genomes Project 0.00180.
gnomAD v4.1: 733 of 1,614,008 alleles (0.045%); highest among the groups gnomAD compares: Admixed American, 0.62%; 5 homozygotes.

Submissions (13):

CeGaT Center for Human Genetics Tuebingen
Classification: Likely benign. Last evaluated: 2026-09-01. Review status: criteria provided, single submitter. Criteria: CeGaT Center For Human Genetics Tuebingen Variant Classification Criteria Version 2. Collection method: clinical testing. Allele origin: germline. Affected: yes. Observed: 27 variant alleles.
Comment: FLNC: BS1

Mayo Clinic Laboratories, Mayo Clinic
Classification: Benign. Last evaluated: 2025-09-30. Review status: criteria provided, single submitter. Criteria: ACMG Guidelines, 2015. Collection method: clinical testing. Allele origin: germline. Observed: 1 variant allele.
Comment: BS1, BS2, BP4

Molecular Diagnostic Laboratory for Inherited Cardiovascular Disease, Montreal Heart Institute
Classification: Benign. Last evaluated: 2025-04-09. Review status: criteria provided, single submitter. Criteria: ACMG Guidelines, 2015. Collection method: clinical testing. Allele origin: germline. Affected: no.
Comment: BS1;BS2;BP4;BP6

Blueprint Genetics
Classification: Likely benign. Last evaluated: 2024-11-27. Review status: criteria provided, single submitter. Criteria: ACMG Guidelines, 2015. Collection method: clinical testing. Allele origin: germline.

Women's Health and Genetics/Laboratory Corporation of America, LabCorp
Classification: Likely benign. Last evaluated: 2024-05-06. Review status: criteria provided, single submitter. Criteria: LabCorp Variant Classification Summary - May 2015. Collection method: clinical testing. Allele origin: germline.

CHEO Genetics Diagnostic Laboratory, Children's Hospital of Eastern Ontario
Classification: Benign for Cardiomyopathy. Last evaluated: 2023-06-23. Review status: criteria provided, single submitter. Criteria: ACMG Guidelines, 2015. Collection method: clinical testing. Allele origin: germline.

Ambry Genetics
Classification: Benign for Cardiovascular phenotype. Last evaluated: 2022-08-04. Review status: criteria provided, single submitter. Criteria: Ambry Variant Classification Scheme 2023. Collection method: clinical testing. Allele origin: germline.

Athena Diagnostics
Classification: Benign. Last evaluated: 2020-12-15. Review status: criteria provided, single submitter. Criteria: Athena Diagnostics criteria. Collection method: clinical testing. Allele origin: unknown.

Genetic Services Laboratory, University of Chicago
Classification: Benign. Last evaluated: 2020-05-01. Review status: criteria provided, single submitter. Criteria: ACMG Guidelines, 2015. Collection method: clinical testing. Allele origin: germline. Affected: no.

Labcorp Genetics (formerly Invitae), Labcorp
Classification: Benign for Myopathy, distal, 4; Dilated Cardiomyopathy, Dominant; Myofibrillar myopathy, filamin C-related; Cardiomyopathy, familial hypertrophic, 26. Last evaluated: 2019-12-31. Review status: criteria provided, single submitter. Criteria: Invitae Variant Classification Sherloc (09022015). Collection method: clinical testing. Allele origin: germline.

GeneDx
Classification: Benign. Last evaluated: 2018-06-06. Review status: criteria provided, single submitter. Criteria: GeneDx Variant Classification (06012015). Collection method: clinical testing. Allele origin: germline. Affected: yes.
Comment: This variant is considered likely benign or benign based on one or more of the following criteria: it is a conservative change, it occurs at a poorly conserved position in the protein, it is predicted to be benign by multiple in silico algorithms, and/or has population frequency not consistent with disease.

Eurofins Ntd Llc (ga)
Classification: Benign. Last evaluated: 2016-01-29. Review status: criteria provided, single submitter. Criteria: EGL Classification Definitions 2015. Collection method: clinical testing. Allele origin: germline. Observed: 1 variant allele, 1 homozygote.

Breakthrough Genomics
Classification: Benign. Review status: criteria provided, single submitter. Criteria: ACMG Guidelines, 2015. Collection method: not provided. Allele origin: germline. Inheritance: Autosomal dominant inheritance. Affected: yes.

Literature cited by the submitters: PubMed 29706348 (cited by Ambry Genetics); PubMed 30996762 (cited by Ambry Genetics); PubMed 30411535 (cited by Athena Diagnostics).